The following is an entry in ClinVar:

ClinVar aggregate classification (germline): Conflicting classifications of pathogenicity. Review status: criteria provided, conflicting classifications (1 of 4 stars). 3 submissions from 3 submitters: Uncertain significance (1); Likely benign (1). 1 of the submissions does not count toward it. Last evaluated 2024-11-28.

Conditions:
SETX-related disorder. Also called: SETX-related disorders; SETX-related condition. Identifiers: MedGen CN239403.
Spinocerebellar ataxia, autosomal recessive, with axonal neuropathy 2 (SCAN2). Also called: Ataxia-ocular apraxia-2; Ataxia with Oculomotor Apraxia Type 2; Ataxia with Oculomotor Apraxia; ATAXIA-OCULOMOTOR APRAXIA 2. Identifiers: Orphanet 64753, MedGen C1853761, MONDO:0018996, OMIM 606002.
Amyotrophic lateral sclerosis type 4 (ALS4). Also called: AMYOTROPHIC LATERAL SCLEROSIS 4, JUVENILE; NEURONOPATHY, DISTAL HEREDITARY MOTOR, WITH PYRAMIDAL FEATURES. Identifiers: Orphanet 357043, MedGen C1865409, MONDO:0011223, OMIM 602433.

Allele frequency attached by ClinVar (database versions not stated): ExAC 0.00001; gnomAD exomes 0.00001 and 0.00002; TOPMed 0.00001; gnomAD 0.00003.
gnomAD v4.1: 33 of 1,609,524 alleles (0.0021%); highest among the groups gnomAD compares: African/African-American, 0.0027%; no homozygotes.

Submissions (3):

Labcorp Genetics (formerly Invitae), Labcorp
Classification: Likely benign for Amyotrophic lateral sclerosis type 4; Spinocerebellar ataxia, autosomal recessive, with axonal neuropathy 2. Last evaluated: 2024-11-28. Review status: criteria provided, single submitter. Criteria: Invitae Variant Classification Sherloc (09022015). Collection method: clinical testing. Allele origin: germline.

Blueprint Genetics
Classification: Uncertain significance. Last evaluated: 2024-11-15. Review status: criteria provided, single submitter. Criteria: ACMG Guidelines, 2015. Collection method: clinical testing. Allele origin: germline.

PreventionGenetics, part of Exact Sciences
Classification: Likely benign for SETX-related condition. Last evaluated: 2019-06-25. Review status: no assertion criteria provided. Collection method: clinical testing. Allele origin: germline. Not counted in ClinVar's aggregate classification.
Comment: This variant is classified as likely benign based on ACMG/AMP sequence variant interpretation guidelines (Richards et al. 2015 PMID: 25741868, with internal and published modifications).

NM_015046.7(SETX):c.1099-7A>G

Gene: SETX (senataxin; minus strand). Cytogenetic location: 9q34.13.
Variant type: single nucleotide variant.
Coding change: c.1099-7A>G on transcript NM_015046.7 (MANE Select); 7 bases into the intron before coding-DNA position 1099, A replaced by G.
Molecular consequence: intron variant.
Genome position (GRCh38, 1-based): chr9:132,330,506, T>C on the plus strand (A>G on the coding strand, the complement: SETX is on the minus strand). VCF-style: chr9-132330506-T-C. GRCh37 (hg19) VCF-style: chr9-135205893-T-C.
Other names: c.1099-7A>G (NM_015046.5, NM_001351528.2, NM_001351527.2).
Identifiers: ClinVar variation 1623247 (VCV001623247.11), dbSNP rs764675117, ClinGen allele CA5297822.